The following is an entry in ClinVar:

ClinVar aggregate classification (germline): Uncertain significance (1 of 4 stars; one submission).

gnomAD v4.1: 50 of 1,612,842 alleles (0.0031%); highest among the groups gnomAD compares: Middle Eastern, 0.049%; no homozygotes.

Submission:

Labcorp Genetics (formerly Invitae), Labcorp
Classification: Uncertain significance. Last evaluated: 2024-02-17. Review status: criteria provided, single submitter. Criteria: Invitae Variant Classification Sherloc (09022015). Collection method: clinical testing. Allele origin: germline.
Comment: This sequence change replaces alanine, which is neutral and non-polar, with threonine, which is neutral and polar, at codon 761 of the SLC4A11 protein (p.Ala761Thr). This variant is present in population databases (rs752886060, gnomAD 0.01%). This variant has not been reported in the literature in individuals affected with SLC4A11-related conditions. Advanced modeling of protein sequence and biophysical properties (such as structural, functional, and spatial information, amino acid conservation, physicochemical variation, residue mobility, and thermodynamic stability) has been performed at Invitae for this missense variant, however the output from this modeling did not meet the statistical confidence thresholds required to predict the impact of this variant on SLC4A11 protein function. In summary, the available evidence is currently insufficient to determine the role of this variant in disease. Therefore, it has been classified as a Variant of Uncertain Significance.

NM_001174089.2(SLC4A11):c.2233G>A (p.Ala745Thr)

Gene: SLC4A11 (solute carrier family 4 member 11; minus strand). Cytogenetic location: 20p13.
Variant type: single nucleotide variant.
Coding change: c.2233G>A on transcript NM_001174089.2 (MANE Select); coding-DNA position 2233, G replaced by A.
Protein change: p.Ala745Thr; replaces alanine 745 with threonine.
Molecular consequence: missense variant. On other transcripts: non-coding transcript variant (3).
Genome position (GRCh38, 1-based): chr20:3,228,667, C>T on the plus strand (G>A on the coding strand, the complement: SLC4A11 is on the minus strand). VCF-style: chr20-3228667-C-T. GRCh37 (hg19) VCF-style: chr20-3209313-C-T.
Other names: c.2362G>A, p.Ala788Thr (NM_001174090.2); c.2119G>A, p.Ala707Thr (NM_001363745.2); c.2176G>A, p.Ala726Thr (NM_001400277.1, NM_001400278.1, NM_001400279.1); c.2248G>A, p.Ala750Thr (NM_001400280.1); c.2281G>A, p.Ala761Thr (NM_032034.4); short protein forms A745T, A726T, A761T, A750T, A788T, A707T.
Identifiers: ClinVar variation 3704160 (VCV003704160.2).